The following is an entry in ClinVar:

NM_001024845.3(SLC6A9):c.1104C>T (p.Phe368=)

Gene: SLC6A9 (solute carrier family 6 member 9; minus strand). Cytogenetic location: 1p34.1.
Variant type: single nucleotide variant.
Coding change: c.1104C>T on transcript NM_001024845.3 (MANE Select); coding-DNA position 1104, C replaced by T.
Protein change: p.Phe368=; no amino-acid change (phenylalanine 368 retained).
Molecular consequence: synonymous variant. On other transcripts: non-coding transcript variant (1).
Genome position (GRCh38, 1-based): chr1:44,001,486, G>A on the plus strand (C>T on the coding strand, the complement: SLC6A9 is on the minus strand). VCF-style: chr1-44001486-G-A. GRCh37 (hg19) VCF-style: chr1-44467158-G-A.
Other names: c.1323C>T (NM_201649.3); c.1116C>T, p.Phe372= (NM_001261380.2); c.771C>T, p.Phe257= (NM_001328626.2, NM_001328630.2); c.1041C>T, p.Phe347= (NM_001328627.1); c.909C>T, p.Phe303= (NM_001328628.1); c.1104C>T, p.Phe368= (NM_001328629.1); c.1161C>T, p.Phe387= (NM_006934.4); c.1323C>T, p.Phe441= (NM_201649.4).
Identifiers: ClinVar variation 1574798 (VCV001574798.14), dbSNP rs149979593, ClinGen allele CA817601.
Genomic context (GRCh38, chr1:44,001,486, plus strand): 5'-GAAGAGCAGAGACCACAGCGGGGAGATGGGAAGTAGTGTGAGGGCCTCGGGGTAAGCCAC[G>A]AAGGCCAGGCCAGGGCCGTGGTCTGCCACACGGGACACATCCACGCCCAGGTGATTGGCC-3'
Protein context (NP_001020016.1, residues 358-378): RVADHGPGLA[Phe368=]VAYPEALTLL

ClinVar aggregate classification (germline): Likely benign. Review status: criteria provided, multiple submitters, no conflicts (2 of 4 stars). 3 submissions from 3 submitters: Likely benign (2). 1 of the submissions does not count toward it. Last evaluated 2026-03-01.

Conditions:
Atypical glycine encephalopathy. Also called: Glycine encephalopathy with normal serum glycine. Identifiers: Orphanet 289863, MedGen C4310943, MONDO:0015010, OMIM 617301.
SLC6A9-related disorder. Also called: SLC6A9-related condition.

Allele frequency attached by ClinVar (database versions not stated): ExAC 0.00005; gnomAD exomes 0.00005; gnomAD 0.00013 and 0.00016; TOPMed 0.00014; ESP Exome Variant Server 0.00015.
gnomAD v4.1: 95 of 1,614,050 alleles (0.0059%); highest among the groups gnomAD compares: African/African-American, 0.052%; no homozygotes.

Submissions (3):

CeGaT Center for Human Genetics Tuebingen
Classification: Likely benign. Last evaluated: 2026-03-01. Review status: criteria provided, single submitter. Criteria: CeGaT Center For Human Genetics Tuebingen Variant Classification Criteria Version 2. Collection method: clinical testing. Allele origin: germline. Affected: yes. Observed: 1 variant allele.
Comment: SLC6A9: BP4, BP7

Labcorp Genetics (formerly Invitae), Labcorp
Classification: Likely benign for Atypical glycine encephalopathy. Last evaluated: 2022-08-16. Review status: criteria provided, single submitter. Criteria: Invitae Variant Classification Sherloc (09022015). Collection method: clinical testing. Allele origin: germline.

PreventionGenetics, part of Exact Sciences
Classification: Likely benign for SLC6A9-related condition. Last evaluated: 2019-07-31. Review status: no assertion criteria provided. Collection method: clinical testing. Allele origin: germline. Not counted in ClinVar's aggregate classification.
Comment: This variant is classified as likely benign based on ACMG/AMP sequence variant interpretation guidelines (Richards et al. 2015 PMID: 25741868, with internal and published modifications).